The following is an entry in ClinVar:

NM_006084.5(IRF9):c.15G>C (p.Arg5Ser)

Gene: IRF9 (interferon regulatory factor 9; plus strand). Cytogenetic location: 14q12.
Variant type: single nucleotide variant.
Coding change: c.15G>C on transcript NM_006084.5 (MANE Select); coding-DNA position 15, G replaced by C.
Protein change: p.Arg5Ser; replaces arginine 5 with serine.
Molecular consequence: missense variant.
Genome position (GRCh38, 1-based): chr14:24,162,159, G>C. VCF-style: chr14-24162159-G-C. GRCh37 (hg19) VCF-style: chr14-24631368-G-C.
Other names: c.15G>C, p.Arg5Ser (NM_001385400.1, NM_001385401.1, NM_001385402.1); short protein forms R5S.
Identifiers: ClinVar variation 4734922 (VCV004734922.1).

ClinVar aggregate classification (germline): Uncertain significance (1 of 4 stars; one submission).

Submission:

Labcorp Genetics (formerly Invitae), Labcorp
Classification: Uncertain significance. Last evaluated: 2026-01-08. Review status: criteria provided, single submitter. Criteria: Invitae Variant Classification Sherloc (09022015). Collection method: clinical testing. Allele origin: germline.
Comment: This sequence change replaces arginine, which is basic and polar, with serine, which is neutral and polar, at codon 5 of the IRF9 protein (p.Arg5Ser). This variant is not present in population databases (gnomAD no frequency). This variant has not been reported in the literature in individuals affected with IRF9-related conditions. An algorithm developed to predict the effect of missense changes on protein structure and function (PolyPhen-2) suggests that this variant is likely to be tolerated. In summary, the available evidence is currently insufficient to determine the role of this variant in disease. Therefore, it has been classified as a Variant of Uncertain Significance.